The following is an entry in ClinVar:

ClinVar aggregate classification (germline): Uncertain significance (1 of 4 stars; one submission).

gnomAD v4.1: 1 of 1,614,006 alleles (0.000062%); highest among the groups gnomAD compares: Non-Finnish European, 0.000085%; no homozygotes.

Submission:

Mayo Clinic Laboratories, Mayo Clinic
Classification: Uncertain significance. Last evaluated: 2025-10-18. Review status: criteria provided, single submitter. Criteria: ACMG Guidelines, 2015. Collection method: clinical testing. Allele origin: germline. Observed: 1 variant allele.
Comment: BP4_moderate, PM2_supporting

NM_015378.4(VPS13D):c.3979A>C (p.Thr1327Pro)

Gene: VPS13D (vacuolar protein sorting 13 homolog D; plus strand). Cytogenetic location: 1p36.22.
Variant type: single nucleotide variant.
Coding change: c.3979A>C on transcript NM_015378.4 (MANE Select); coding-DNA position 3979, A replaced by C.
Protein change: p.Thr1327Pro; replaces threonine 1327 with proline.
Molecular consequence: missense variant.
Genome position (GRCh38, 1-based): chr1:12,277,567, A>C. VCF-style: chr1-12277567-A-C. GRCh37 (hg19) VCF-style: chr1-12337624-A-C.
Other names: p.Thr1327Pro; c.3979A>C, p.Thr1327Pro (NM_018156.4); short protein forms T1327P.
Identifiers: ClinVar variation 4540688 (VCV004540688.1).